The following is an entry in ClinVar:

ClinVar aggregate classification (germline): Benign. Review status: criteria provided, multiple submitters, no conflicts (2 of 4 stars). 2 submissions from 2 submitters: Benign (2). Last evaluated 2018-06-18.

Allele frequency attached by ClinVar (database versions not stated): gnomAD 0.57067 and 0.57128; TOPMed 0.57952; 1000 Genomes Project 30x 0.62570; 1000 Genomes Project 0.62680.
gnomAD v4.1: 86,910 of 152,066 alleles (57%); highest among the groups gnomAD compares: East Asian, 67%; 25,264 homozygotes.

Submissions (2):

GeneDx
Classification: Benign. Last evaluated: 2018-06-18. Review status: criteria provided, single submitter. Criteria: GeneDx Variant Classification (06012015). Collection method: clinical testing. Allele origin: germline. Affected: yes.
Comment: This variant is considered likely benign or benign based on one or more of the following criteria: it is a conservative change, it occurs at a poorly conserved position in the protein, it is predicted to be benign by multiple in silico algorithms, and/or has population frequency not consistent with disease.

Breakthrough Genomics
Classification: Benign. Review status: criteria provided, single submitter. Criteria: ACMG Guidelines, 2015. Collection method: not provided. Allele origin: germline. Inheritance: Autosomal recessive inheritance. Affected: yes.

NM_001232.4(CASQ2):c.940-193G>A

Gene: CASQ2 (calsequestrin 2; minus strand). Cytogenetic location: 1p13.1.
Variant type: single nucleotide variant.
Coding change: c.940-193G>A on transcript NM_001232.4 (MANE Select); 193 bases into the intron before coding-DNA position 940, G replaced by A.
Molecular consequence: intron variant.
Genome position (GRCh38, 1-based): chr1:115,703,188, C>T on the plus strand (G>A on the coding strand, the complement: CASQ2 is on the minus strand). VCF-style: chr1-115703188-C-T. GRCh37 (hg19) VCF-style: chr1-116245809-C-T.
Identifiers: ClinVar variation 672186 (VCV000672186.2), dbSNP rs6667224, ClinGen allele CA15122690.
Genomic context (GRCh38, chr1:115,703,188, plus strand): 5'-AATTGAAGACTTGGCCCCAGCCTTCAAGCACTTCAAATAAGCATTAAATAAAAGATGACA[C>T]AGCATAAATTATGGAAACATGTGTCTGCAGCTGTAAGAGAGAAAATTATAGAGGTGGTCT-3'